The following is an entry in ClinVar:

ClinVar aggregate classification (germline): Likely pathogenic (1 of 4 stars; one submission).

Conditions:
Bethlem myopathy 1A. Also called: Bethlem Muscular Dystrophy; MYOPATHY, BENIGN CONGENITAL, WITH CONTRACTURES; Bethlem myopathy 1. Identifiers: Orphanet 610, MedGen CN029274, MONDO:0024530, OMIM 158810.

Submission:

Broad Center for Mendelian Genomics, Broad Institute of MIT and Harvard
Classification: Likely pathogenic for Bethlem myopathy 1A. Last evaluated: 2022-05-04. Review status: criteria provided, single submitter. Criteria: ACMG Guidelines, 2015. Collection method: curation. Allele origin: germline. Inheritance: Autosomal dominant inheritance.
Comment: Trio exome analysis showed this variant to be de novo. This variant is also reported and assumed de novo in 1 individual with Bethlem myopathy 1, but maternity and paternity have not been confirmed (PMID: 25025777), and was absent from large population studies. This variant occurs in the invariant region (+/- 1/2) of the splice consensus sequence and is predicted to cause altered splicing leading to an abnormal or absent protein. Heterozygous loss of function of the COL6A2 gene is a moderately established disease mechanism in Bethlem myopathy 1. In summary, although additional studies are required to fully establish its clinical significance, this variant is likely pathogenic. ACMG/AMP Criteria applied: PS2, PM2, PVS1_supporting, PS4_supporting (Richards 2015).

NM_001849.4(COL6A2):c.855+1G>T

Gene: COL6A2 (collagen type VI alpha 2 chain; plus strand). Cytogenetic location: 21q22.3.
Variant type: single nucleotide variant.
Coding change: c.855+1G>T on transcript NM_001849.4 (MANE Select); the canonical splice donor site of the intron after coding-DNA position 855, G replaced by T.
Molecular consequence: splice donor variant.
Genome position (GRCh38, 1-based): chr21:46,115,926, G>T. VCF-style: chr21-46115926-G-T. GRCh37 (hg19) VCF-style: chr21-47535840-G-T.
Other names: NM_058174.3:c.855+1G>T; c.855+1G>T (NM_058175.3, NM_058174.3).
Identifiers: ClinVar variation 1679857 (VCV001679857.1), dbSNP rs1057517988, ClinGen allele CA410524955.